The following is an entry in ClinVar:

NM_000231.3(SGCG):c.*10G>A

Gene: SGCG (sarcoglycan gamma; plus strand). Cytogenetic location: 13q12.12.
Variant type: single nucleotide variant.
Coding change: c.*10G>A on transcript NM_000231.3 (MANE Select); 10 bases downstream of the stop codon, G replaced by A.
Molecular consequence: 3 prime UTR variant.
Genome position (GRCh38, 1-based): chr13:23,324,551, G>A. VCF-style: chr13-23324551-G-A. GRCh37 (hg19) VCF-style: chr13-23898690-G-A.
Other names: c.*10G>A (NM_001378244.1, NM_001378245.1, NM_001378246.1).
Identifiers: ClinVar variation 255599 (VCV000255599.16), dbSNP rs139369964, ClinGen allele CA6909869.

ClinVar aggregate classification (germline): Benign. Review status: criteria provided, multiple submitters, no conflicts (2 of 4 stars). 7 submissions from 7 submitters: Benign (6). 1 of the submissions does not count toward it. Last evaluated 2023-12-08.

Conditions:
Sarcoglycanopathy. Identifiers: Orphanet 207052, MedGen C2936331, MONDO:0016140.
Autosomal recessive limb-girdle muscular dystrophy type 2C (LGMDR5). Also called: MUSCULAR DYSTROPHY, DUCHENNE-LIKE; MUSCULAR DYSTROPHY, LIMB-GIRDLE, AUTOSOMAL RECESSIVE 5. Identifiers: Orphanet 353, MedGen C0410173, MONDO:0009677, OMIM 253700. Disease mechanism: Affects gamma-sarcoglycan and also disrupts the integrity of the entire sarcoglycan complex..

Allele frequency attached by ClinVar (database versions not stated): gnomAD exomes 0.00200; ExAC 0.00222; gnomAD 0.00736 and 0.00794; ESP Exome Variant Server 0.00777; TOPMed 0.00785; 1000 Genomes Project 0.00819; 1000 Genomes Project 30x 0.00828.
gnomAD v4.1: 2,197 of 1,607,146 alleles (0.14%); highest among the groups gnomAD compares: African/African-American, 2.6%; 23 homozygotes.

Submissions (7):

Athena Diagnostics
Classification: Benign. Last evaluated: 2023-12-08. Review status: criteria provided, single submitter. Criteria: Athena Diagnostics Criteria. Collection method: clinical testing. Allele origin: unknown.

ARUP Laboratories, Molecular Genetics and Genomics, ARUP Laboratories
Classification: Benign for Autosomal recessive limb-girdle muscular dystrophy type 2C. Last evaluated: 2023-10-11. Review status: criteria provided, single submitter. Criteria: ARUP Molecular Germline Variant Investigation Process 2024. Collection method: clinical testing. Allele origin: germline.

Mayo Clinic Laboratories, Mayo Clinic
Classification: Benign. Last evaluated: 2022-02-24. Review status: criteria provided, single submitter. Criteria: ACMG Guidelines, 2015. Collection method: clinical testing. Allele origin: germline. Observed: 5 variant alleles.
Comment: BS1, BS2

Illumina Laboratory Services, Illumina
Classification: Benign for Sarcoglycanopathy. Last evaluated: 2018-01-12. Review status: criteria provided, single submitter. Criteria: ICSL Variant Classification Criteria 13 December 2019. Collection method: clinical testing. Allele origin: germline.
Comment: This variant was observed in the ICSL laboratory as part of a predisposition screen in an ostensibly healthy population. It had not been previously curated by ICSL or reported in the Human Gene Mutation Database (HGMD: prior to June 1st, 2018), and was therefore a candidate for classification through an automated scoring system. Utilizing variant allele frequency, disease prevalence and penetrance estimates, and inheritance mode, an automated score was calculated to assess if this variant is too frequent to cause the disease. Based on the score and internal cut-off values, a variant classified as benign is not then subjected to further curation. The score for this variant resulted in a classification of benign for this disease.

GeneDx
Classification: Benign. Last evaluated: 2016-07-25. Review status: criteria provided, single submitter. Criteria: GeneDx Variant Classification (06012015). Collection method: clinical testing. Allele origin: germline. Affected: yes.
Comment: This variant is considered likely benign or benign based on one or more of the following criteria: it is a conservative change, it occurs at a poorly conserved position in the protein, it is predicted to be benign by multiple in silico algorithms, and/or has population frequency not consistent with disease.

PreventionGenetics, part of Exact Sciences
Classification: Benign. Review status: criteria provided, single submitter. Criteria: ACMG Guidelines, 2015. Collection method: clinical testing. Allele origin: germline.

Natera, Inc.
Classification: Benign for Limb-girdle muscular dystrophy type 2C. Last evaluated: 2020-09-16. Review status: no assertion criteria provided. Collection method: clinical testing. Allele origin: germline. Not counted in ClinVar's aggregate classification.